The following is an entry in ClinVar:

NM_000748.3(CHRNB2):c.1097_1099dup (p.Arg366_Gln367insArg)

Gene: CHRNB2 (cholinergic receptor nicotinic beta 2 subunit; plus strand). Cytogenetic location: 1q21.3.
Variant type: Duplication.
Coding change: c.1097_1099dup on transcript NM_000748.3 (MANE Select); coding-DNA positions 1097 to 1099, 3 bases duplicated (GCC; older notation c.1097_1099dupGCC).
Protein change: p.Arg366_Gln367insArg.
Molecular consequence: inframe insertion.
Genome position (GRCh38, 1-based): chr1:154,571,920-154,571,922, GCC duplicated; duplicating any 3 consecutive bases within chr1:154,571,919-154,571,922 gives the same sequence; the c. name uses the placement nearest the transcript's 3' end. VCF-style (leftmost placement, unchanged base first): chr1-154571918-A-ACGC. GRCh37 (hg19) VCF-style: chr1-154544394-A-ACGC.
Identifiers: ClinVar variation 2016651 (VCV002016651.4), dbSNP rs2526371918, ClinGen allele CA2580061120.
Genomic context (GRCh38, chr1:154,571,918, plus strand): 5'-GCTGCTCTTCATGCAGCAGCCACGCCATCATTGCGCCCGTCAGCGCCTGCGCCTGCGGCG[A>ACGC]CGCCAGCGTGAGCGCGAGGGCGCTGGAGCCCTCTTCTTCCGCGAAGCCCCAGGGGCCGAC-3'

ClinVar aggregate classification (germline): Uncertain significance (1 of 4 stars; one submission).

Conditions:
Familial sleep-related hypermotor epilepsy. Also called: Autosomal Dominant Sleep-Related Hypermotor (Hyperkinetic) Epilepsy. Identifiers: Orphanet 98784, MedGen C3696898, MONDO:0000030.

Submission:

Labcorp Genetics (formerly Invitae), Labcorp
Classification: Uncertain significance. Last evaluated: 2024-10-29. Review status: criteria provided, single submitter. Criteria: Invitae Variant Classification Sherloc (09022015). Collection method: clinical testing. Allele origin: germline.
Comment: This variant, c.1097_1099dup, results in the insertion of 1 amino acid(s) of the CHRNB2 protein (p.Arg366dup), but otherwise preserves the integrity of the reading frame. This variant is not present in population databases (gnomAD no frequency). This variant has not been reported in the literature in individuals affected with CHRNB2-related conditions. ClinVar contains an entry for this variant (Variation ID: 2016651). In summary, the available evidence is currently insufficient to determine the role of this variant in disease. Therefore, it has been classified as a Variant of Uncertain Significance.